The following is an entry in ClinVar:

ClinVar aggregate classification (germline): Pathogenic (1 of 4 stars; one submission).

Conditions:
Hypertrophic cardiomyopathy 4. Also called: Familial hypertrophic cardiomyopathy 4. Identifiers: MedGen C1861862, MONDO:0007268, OMIM 115197.

Submission:

3billion
Classification: Pathogenic for Hypertrophic cardiomyopathy 4. Last evaluated: 2024-02-06. Review status: criteria provided, single submitter. Criteria: ACMG Guidelines, 2015. Collection method: clinical testing. Allele origin: germline. Affected: yes.
Comment: The variant is observed at an extremely low frequency in the gnomAD v2.1.1 dataset (total allele frequency: <0.001%). Predicted Consequence/Location: Frameshift: predicted to result in a loss or disruption of normal protein function through nonsense-mediated decay (NMD) or protein truncation. Multiple pathogenic variants are reported downstream of the variant. The variant has been reported to be associated with MYBPC3-related disorder (ClinVar ID: VCV001687285 /3billion dataset). Therefore, this variant is classified as Pathogenic according to the recommendation of ACMG/AMP guideline.

NM_000256.3(MYBPC3):c.3168del (p.Thr1057fs)

Gene: MYBPC3 (myosin binding protein C3; minus strand). Cytogenetic location: 11p11.2.
Variant type: Deletion.
Coding change: c.3168del on transcript NM_000256.3 (MANE Select); coding-DNA position 3168, one base deleted (C; older notation c.3168delC).
Protein change: p.Thr1057fs; shifts the reading frame from threonine 1057.
Molecular consequence: frameshift variant.
Genome position (GRCh38, 1-based): chr11:47,333,579, G deleted on the plus strand (C on the coding strand, the reverse complement: MYBPC3 is on the minus strand); the first of 2 consecutive G bases (chr11:47,333,579-47,333,580); deleting either gives the same sequence. VCF-style (leftmost placement, unchanged base first): chr11-47333578-TG-T. GRCh37 (hg19) VCF-style: chr11-47355129-TG-T.
Other names: short protein forms T1057fs.
Identifiers: ClinVar variation 1687285 (VCV001687285.3), dbSNP rs760491068, ClinGen allele CA079176.